The following is an entry in ClinVar:

ClinVar aggregate classification (germline): Uncertain significance (1 of 4 stars; one submission).

gnomAD v4.1: 3 of 1,614,046 alleles (0.00019%); highest among the groups gnomAD compares: Non-Finnish European, 0.00017%; no homozygotes.

Submission:

GeneDx
Classification: Uncertain significance. Last evaluated: 2024-12-09. Review status: criteria provided, single submitter. Criteria: GeneDx Variant Classification Process June 2021. Collection method: clinical testing. Allele origin: germline. Affected: yes.
Comment: Not observed at significant frequency in large population cohorts (gnomAD); In silico analysis supports that this missense variant has a deleterious effect on protein structure/function; Has not been previously published as pathogenic or benign to our knowledge

NM_001375524.1(TRRAP):c.6373C>T (p.Pro2125Ser)

Gene: TRRAP (transformation/transcription domain associated protein; plus strand). Cytogenetic location: 7q22.1.
Variant type: single nucleotide variant.
Coding change: c.6373C>T on transcript NM_001375524.1 (MANE Select); coding-DNA position 6373, C replaced by T.
Protein change: p.Pro2125Ser; replaces proline 2125 with serine.
Molecular consequence: missense variant.
Genome position (GRCh38, 1-based): chr7:98,959,374, C>T. VCF-style: chr7-98959374-C-T. GRCh37 (hg19) VCF-style: chr7-98556997-C-T.
Other names: c.6352C>T, p.Pro2118Ser (NM_001244580.2); c.6298C>T, p.Pro2100Ser (NM_003496.4); short protein forms P2100S, P2118S, P2125S.
Identifiers: ClinVar variation 3901455 (VCV003901455.1).
Genomic context (GRCh38, chr7:98,959,374, plus strand): 5'-ATGCCGGCTGTAACTCGGATGAATTCCTAGGTTAATGACAACACCAACACAGCGGGGTCC[C>T]CTGGGGAGGTGCTCTCTCGCCGGTGTGTGAACCTTCTGAAGACTGCGTTGCGGCCAGACA-3'
Protein context (NP_001362453.1, residues 2115-2135): VNDNTNTAGS[Pro2125Ser]GEVLSRRCVN